The following is an entry in ClinVar:

ClinVar aggregate classification (germline): Uncertain significance. Review status: criteria provided, multiple submitters, no conflicts (2 of 4 stars). 2 submissions from 2 submitters: Uncertain significance (2). Last evaluated 2024-05-04.

Conditions:
Hemochromatosis type 4 (HFE4). Also called: Ferroportin disease; HEMOCHROMATOSIS DUE TO DEFECT IN FERROPORTIN; HEMOCHROMATOSIS, AUTOSOMAL DOMINANT. Identifiers: Orphanet 139491, Orphanet 647834, Orphanet 648562, MedGen C1853733, MONDO:0011631, OMIM 606069.

Allele frequency attached by ClinVar (database versions not stated): TOPMed below 0.00001; gnomAD exomes below 0.00001.
gnomAD v4.1: 17 of 1,613,998 alleles (0.0011%); highest among the groups gnomAD compares: Non-Finnish European, 0.0014%; no homozygotes.

Submissions (2):

GeneDx
Classification: Uncertain significance. Last evaluated: 2024-05-04. Review status: criteria provided, single submitter. Criteria: GeneDx Variant Classification Process June 2021. Collection method: clinical testing. Allele origin: germline. Affected: yes.
Comment: Not observed at significant frequency in large population cohorts (gnomAD); In silico analysis supports that this missense variant has a deleterious effect on protein structure/function; Has not been previously published as pathogenic or benign to our knowledge

Illumina Laboratory Services, Illumina
Classification: Uncertain significance for Hemochromatosis type 4. Last evaluated: 2018-01-13. Review status: criteria provided, single submitter. Criteria: ICSL Variant Classification Criteria 13 December 2019. Collection method: clinical testing. Allele origin: germline.

NM_014585.6(SLC40A1):c.92G>A (p.Gly31Asp)

Gene: SLC40A1 (solute carrier family 40 member 1; minus strand). Cytogenetic location: 2q32.2.
Variant type: single nucleotide variant.
Coding change: c.92G>A on transcript NM_014585.6 (MANE Select); coding-DNA position 92, G replaced by A.
Protein change: p.Gly31Asp; replaces glycine 31 with aspartic acid.
Molecular consequence: missense variant.
Genome position (GRCh38, 1-based): chr2:189,579,832, C>T on the plus strand (G>A on the coding strand, the complement: SLC40A1 is on the minus strand). VCF-style: chr2-189579832-C-T. GRCh37 (hg19) VCF-style: chr2-190444558-C-T.
Other names: short protein forms G31D.
Identifiers: ClinVar variation 896759 (VCV000896759.5), dbSNP rs1488625305, ClinGen allele CA349989982.